The following is an entry in ClinVar:

ClinVar aggregate classification (germline): Pathogenic. Review status: criteria provided, multiple submitters, no conflicts (2 of 4 stars). 2 submissions from 2 submitters: Pathogenic (2). Last evaluated 2022-01-14.

Conditions:
Developmental and epileptic encephalopathy, 34 (DEE34). Also called: Early infantile epileptic encephalopathy 34; SLC12A5-Related Epilepsy of Infancy with Migrating Focal Seizures. Identifiers: Orphanet 293181, MedGen C4225257, MONDO:0014718, OMIM 616645.

Submissions (2):

Labcorp Genetics (formerly Invitae), Labcorp
Classification: Pathogenic for Developmental and epileptic encephalopathy, 34. Last evaluated: 2022-01-14. Review status: criteria provided, single submitter. Criteria: Invitae Variant Classification Sherloc (09022015). Collection method: clinical testing. Allele origin: germline.
Comment: This sequence change creates a premature translational stop signal (p.Lys89Argfs*62) in the SLC12A5 gene. It is expected to result in an absent or disrupted protein product. Loss-of-function variants in SLC12A5 are known to be pathogenic (PMID: 26333769, 27436767). This variant is not present in population databases (gnomAD no frequency). This variant has not been reported in the literature in individuals affected with SLC12A5-related conditions. ClinVar contains an entry for this variant (Variation ID: 856637). For these reasons, this variant has been classified as Pathogenic.

Revvity Omics, Revvity
Classification: Pathogenic for Developmental and epileptic encephalopathy, 34. Last evaluated: 2020-07-31. Review status: criteria provided, single submitter. Criteria: ACMG Guidelines, 2015. Collection method: clinical testing. Allele origin: germline.

Literature cited by the submitters: PubMed 26333769 (cited by Labcorp Genetics (formerly Invitae), Labcorp); PubMed 27436767 (cited by Labcorp Genetics (formerly Invitae), Labcorp).

NM_020708.5(SLC12A5):c.266del (p.Lys89fs)

Gene: SLC12A5 (solute carrier family 12 member 5; plus strand). Cytogenetic location: 20q13.12.
Variant type: Deletion.
Coding change: c.266del on transcript NM_020708.5 (MANE Select); coding-DNA position 266, one base deleted (A; older notation c.266delA).
Protein change: p.Lys89fs; shifts the reading frame from lysine 89.
Molecular consequence: frameshift variant.
Genome position (GRCh38, 1-based): chr20:46,035,522, A deleted; the last of 6 consecutive A bases (chr20:46,035,517-46,035,522); deleting any one gives the same sequence. VCF-style (leftmost placement, unchanged base first): chr20-46035516-GA-G. GRCh37 (hg19) VCF-style: chr20-44664155-GA-G.
Other names: c.335del, p.Lys112fs (NM_001134771.2); short protein forms K89fs, K112fs.
Identifiers: ClinVar variation 856637 (VCV000856637.15), dbSNP rs2084489672, ClinGen allele CA645604638.